The following is an entry in ClinVar:

NM_001267550.2(TTN):c.98721C>T (p.Leu32907=)

Genes: TTN (titin; minus strand), TTN-AS1 (TTN antisense RNA 1; plus strand). Cytogenetic location: 2q31.2.
Variant type: single nucleotide variant.
Coding change: c.98721C>T on transcript NM_001267550.2 (MANE Select); coding-DNA position 98721, C replaced by T.
Protein change: p.Leu32907=; no amino-acid change (leucine 32907 retained).
Molecular consequence: synonymous variant. On other transcripts: non-coding transcript variant (1).
Genome position (GRCh38, 1-based): chr2:178,539,214, G>A on the plus strand (C>T on the coding strand, the complement: TTN is on the minus strand). VCF-style: chr2-178539214-G-A. GRCh37 (hg19) VCF-style: chr2-179403941-G-A.
Other names: c.91017C>T, p.Leu30339= (NM_133378.4); c.93798C>T, p.Leu31266= (NM_001256850.1); c.71526C>T, p.Leu23842= (NM_003319.4); c.71901C>T, p.Leu23967= (NM_133432.3); c.72102C>T, p.Leu24034= (NM_133437.4).
Identifiers: ClinVar variation 228173 (VCV000228173.21), dbSNP rs375361462, ClinGen allele CA1986319.

ClinVar aggregate classification (germline): Conflicting classifications of pathogenicity. Review status: criteria provided, conflicting classifications (1 of 4 stars). 5 submissions from 5 submitters: Uncertain significance (1); Likely benign (4). Last evaluated 2025-10-03.

Conditions:
Autosomal recessive limb-girdle muscular dystrophy type 2J (LGMDR10). Also called: Limb-girdle muscular dystrophy, type 2J; MUSCULAR DYSTROPHY, LIMB-GIRDLE, AUTOSOMAL RECESSIVE 10. Identifiers: Orphanet 140922, MedGen C1837342, MONDO:0012127, OMIM 608807.
Dilated cardiomyopathy 1G (CMD1G). Identifiers: Orphanet 154, MedGen C1858763, MONDO:0011400, OMIM 604145.
Cardiovascular phenotype. Identifiers: MedGen CN230736.

Allele frequency attached by ClinVar (database versions not stated): TOPMed 0.00005.
gnomAD v4.1: 58 of 1,613,626 alleles (0.0036%); highest among the groups gnomAD compares: Admixed American, 0.033%; no homozygotes.

Submissions (5):

Labcorp Genetics (formerly Invitae), Labcorp
Classification: Likely benign for Dilated cardiomyopathy 1G; Autosomal recessive limb-girdle muscular dystrophy type 2J. Last evaluated: 2025-10-03. Review status: criteria provided, single submitter. Criteria: Invitae Variant Classification Sherloc (09022015). Collection method: clinical testing. Allele origin: germline.

Blueprint Genetics
Classification: Likely benign. Last evaluated: 2024-06-14. Review status: criteria provided, single submitter. Criteria: ACMG Guidelines, 2015. Collection method: clinical testing. Allele origin: germline.

Ambry Genetics
Classification: Likely benign for Cardiovascular phenotype. Last evaluated: 2023-10-19. Review status: criteria provided, single submitter. Criteria: Ambry Variant Classification Scheme 2023. Collection method: clinical testing. Allele origin: germline.

Eurofins Ntd Llc (ga)
Classification: Uncertain significance. Last evaluated: 2017-12-20. Review status: criteria provided, single submitter. Criteria: EGL Classification Definitions 2015. Collection method: clinical testing. Allele origin: germline. Observed: 1 variant allele, 1 heterozygote.

Laboratory for Molecular Medicine, Mass General Brigham Personalized Medicine
Classification: Likely benign. Last evaluated: 2014-12-30. Review status: criteria provided, single submitter. Criteria: LMM Criteria. Collection method: clinical testing. Allele origin: germline. Observed: 1 variant allele.
Comment: p.Leu30339Leu in exon 302 of TTN: This variant is not expected to have clinical significance because it does not alter an amino acid residue and is not located within the splice consensus sequence. This variant has also been identified in ( 6/67536) of European chromosomes by the Exome Aggregation Consortium (ExAC).